The following is an entry in ClinVar:

NM_001128840.3(CACNA1D):c.58C>T (p.His20Tyr)

Gene: CACNA1D (calcium voltage-gated channel subunit alpha1 D; plus strand). Cytogenetic location: 3p21.1.
Variant type: single nucleotide variant.
Coding change: c.58C>T on transcript NM_001128840.3 (MANE Select); coding-DNA position 58, C replaced by T.
Protein change: p.His20Tyr; replaces histidine 20 with tyrosine.
Molecular consequence: missense variant.
Genome position (GRCh38, 1-based): chr3:53,495,224, C>T. VCF-style: chr3-53495224-C-T. GRCh37 (hg19) VCF-style: chr3-53529251-C-T.
Other names: c.58C>T, p.His20Tyr (NM_000720.4, NM_001128839.3); short protein forms H20Y.
Identifiers: ClinVar variation 4772630 (VCV004772630.1).

ClinVar aggregate classification (germline): Uncertain significance (1 of 4 stars; one submission).

gnomAD v4.1: 1 of 1,613,778 alleles (0.000062%); highest among the groups gnomAD compares: East Asian, 0.0022%; no homozygotes.

Submission:

Labcorp Genetics (formerly Invitae), Labcorp
Classification: Uncertain significance. Last evaluated: 2026-01-25. Review status: criteria provided, single submitter. Criteria: Invitae Variant Classification Sherloc (09022015). Collection method: clinical testing. Allele origin: germline.
Comment: This sequence change replaces histidine, which is basic and polar, with tyrosine, which is neutral and polar, at codon 20 of the CACNA1D protein (p.His20Tyr). This variant is not present in population databases (gnomAD no frequency). This variant has not been reported in the literature in individuals affected with CACNA1D-related conditions. An algorithm developed to predict the effect of missense changes on protein structure and function (PolyPhen-2) suggests that this variant is likely to be tolerated. In summary, the available evidence is currently insufficient to determine the role of this variant in disease. Therefore, it has been classified as a Variant of Uncertain Significance.